The following is an entry in ClinVar:

ClinVar aggregate classification (germline): Benign. Review status: criteria provided, multiple submitters, no conflicts (2 of 4 stars). 7 submissions from 5 submitters: Benign (6). 1 of the submissions does not count toward it. Last evaluated 2021-11-07.

Conditions:
Congenital multicore myopathy with external ophthalmoplegia (CMYO1B). Also called: Minicore myopathy with external ophthalmoplegia; MULTIMINICORE DISEASE WITH EXTERNAL OPHTHALMOPLEGIA; Congenital myopathy 1B, autosomal recessive; Minicore myopathy; MULTICORE MYOPATHY. Identifiers: Orphanet 598, Orphanet 98905, MedGen C1850674, MONDO:0009712, OMIM 255320, HP:0003789.
King Denborough syndrome (KDS). Identifiers: MedGen C1840365, MONDO:0020485, OMIM 619542.
Central core myopathy (CMYO1A). Also called: CONGENITAL MYOPATHY 1A, AUTOSOMAL DOMINANT, WITH SUSCEPTIBILITY TO MALIGNANT HYPERTHERMIA; Central core disease; Myopathy, central fibrillar. Identifiers: Orphanet 597, MedGen C5830701, MONDO:0007294, OMIM 117000.

Allele frequency attached by ClinVar (database versions not stated): 1000 Genomes Project 0.57188; 1000 Genomes Project 30x 0.57339; ESP Exome Variant Server 0.63286; TOPMed 0.63885.
gnomAD v4.1: 1,053,758 of 1,611,946 alleles (65%); highest among the groups gnomAD compares: Admixed American, 70%; 347,871 homozygotes.

Submissions (7):

Genome-Nilou Lab
Classification: Benign for Central core myopathy. Last evaluated: 2021-11-07. Review status: criteria provided, single submitter. Criteria: ACMG Guidelines, 2015. Collection method: clinical testing. Allele origin: germline. Affected: no.

Genome-Nilou Lab
Classification: Benign for King Denborough syndrome. Last evaluated: 2021-11-07. Review status: criteria provided, single submitter. Criteria: ACMG Guidelines, 2015. Collection method: clinical testing. Allele origin: germline. Affected: no.

Genome-Nilou Lab
Classification: Benign for Congenital multicore myopathy with external ophthalmoplegia. Last evaluated: 2021-11-07. Review status: criteria provided, single submitter. Criteria: ACMG Guidelines, 2015. Collection method: clinical testing. Allele origin: germline. Affected: no.

GeneDx
Classification: Benign. Last evaluated: 2018-06-14. Review status: criteria provided, single submitter. Criteria: GeneDx Variant Classification (06012015). Collection method: clinical testing. Allele origin: germline. Affected: yes.
Comment: This variant is considered likely benign or benign based on one or more of the following criteria: it is a conservative change, it occurs at a poorly conserved position in the protein, it is predicted to be benign by multiple in silico algorithms, and/or has population frequency not consistent with disease.

PreventionGenetics, part of Exact Sciences
Classification: Benign. Last evaluated: 2013-10-18. Review status: criteria provided, single submitter. Criteria: ACMG Guidelines, 2015. Collection method: clinical testing. Allele origin: germline.

Breakthrough Genomics
Classification: Benign. Review status: criteria provided, single submitter. Criteria: ACMG Guidelines, 2015. Collection method: not provided. Allele origin: germline. Inheritance: Autosomal recessive inheritance. Affected: yes.

RYR1 database
No classification provided. Review status: no classification provided. Collection method: not provided. Allele origin: unknown. Not counted in ClinVar's aggregate classification.

NM_000540.3(RYR1):c.1672+29G>C

Gene: RYR1 (ryanodine receptor 1; plus strand). Cytogenetic location: 19q13.2.
Variant type: single nucleotide variant.
Coding change: c.1672+29G>C on transcript NM_000540.3 (MANE Select); 29 bases into the intron after coding-DNA position 1672, G replaced by C.
Molecular consequence: intron variant.
Genome position (GRCh38, 1-based): chr19:38,455,575, G>C. VCF-style: chr19-38455575-G-C. GRCh37 (hg19) VCF-style: chr19-38946215-G-C.
Other names: c.1672+29G>C (NM_001042723.2).
Identifiers: ClinVar variation 133107 (VCV000133107.6), dbSNP rs2288889, ClinGen allele CA024304.